The following is an entry in ClinVar:

NM_001370466.1(NOD2):c.2286C>G (p.Leu762=)

Gene: NOD2 (nucleotide binding oligomerization domain containing 2; plus strand). Cytogenetic location: 16q12.1.
Variant type: single nucleotide variant.
Coding change: c.2286C>G on transcript NM_001370466.1 (MANE Select); coding-DNA position 2286, C replaced by G.
Protein change: p.Leu762=; no amino-acid change (leucine 762 retained).
Molecular consequence: synonymous variant. On other transcripts: non-coding transcript variant (1).
Genome position (GRCh38, 1-based): chr16:50,712,278, C>G. VCF-style: chr16-50712278-C-G. GRCh37 (hg19) VCF-style: chr16-50746189-C-G.
Other names: c.2286C>G, p.Leu762= (NM_001293557.2); c.2367C>G, p.Leu789= (NM_022162.3).
Identifiers: ClinVar variation 2171578 (VCV002171578.10), dbSNP rs745434839, ClinGen allele CA8051760.

ClinVar aggregate classification (germline): Likely benign. Review status: criteria provided, multiple submitters, no conflicts (2 of 4 stars). 2 submissions from 2 submitters: Likely benign (2). Last evaluated 2025-10-01.

Conditions:
Blau syndrome (BLAUS). Also called: ARTHROCUTANEOUVEAL GRANULOMATOSIS; GRANULOMATOSIS, FAMILIAL JUVENILE SYSTEMIC; GRANULOMATOSIS, FAMILIAL, BLAU TYPE; GRANULOMATOUS INFLAMMATORY ARTHRITIS, DERMATITIS, AND UVEITIS, FAMILIAL; JABS SYNDROME. Identifiers: Orphanet 90340, MedGen C5201146, MONDO:0008523, OMIM 186580.
Regional enteritis. Also called: Enteritis, Granulomatous. Identifiers: MedGen C0678202, MeSH D003424.

Allele frequency attached by ClinVar (database versions not stated): TOPMed below 0.00001; ExAC 0.00001.

Submissions (2):

CeGaT Center for Human Genetics Tuebingen
Classification: Likely benign. Last evaluated: 2025-10-01. Review status: criteria provided, single submitter. Criteria: CeGaT Center For Human Genetics Tuebingen Variant Classification Criteria Version 2. Collection method: clinical testing. Allele origin: germline. Affected: yes. Observed: 1 variant allele.
Comment: NOD2: BP4, BP7

Labcorp Genetics (formerly Invitae), Labcorp
Classification: Likely benign for Regional enteritis; Blau syndrome. Last evaluated: 2025-06-27. Review status: criteria provided, single submitter. Criteria: Invitae Variant Classification Sherloc (09022015). Collection method: clinical testing. Allele origin: germline.